The following is an entry in ClinVar:

NM_001122630.2(CDKN1C):c.343C>T (p.Leu115Phe)

Gene: CDKN1C (cyclin dependent kinase inhibitor 1C; minus strand). Cytogenetic location: 11p15.4.
Variant type: single nucleotide variant.
Coding change: c.343C>T on transcript NM_001122630.2 (MANE Select); coding-DNA position 343, C replaced by T.
Protein change: p.Leu115Phe; replaces leucine 115 with phenylalanine.
Molecular consequence: missense variant. On other transcripts: intron variant (1).
Genome position (GRCh38, 1-based): chr11:2,885,114, G>A on the plus strand (C>T on the coding strand, the complement: CDKN1C is on the minus strand). VCF-style: chr11-2885114-G-A. GRCh37 (hg19) VCF-style: chr11-2906344-G-A.
Other names: c.376C>T, p.Leu126Phe (NM_000076.2, NM_001362474.2); c.343C>T, p.Leu115Phe (NM_001122631.2); c.255+88C>T (NM_001362475.2); short protein forms L126F, L115F.
Identifiers: ClinVar variation 955966 (VCV000955966.7), dbSNP rs1302975990, ClinGen allele CA379146826.

ClinVar aggregate classification (germline): Uncertain significance (1 of 4 stars; one submission).

Conditions:
Beckwith-Wiedemann syndrome (BWS). Also called: EMG SYNDROME; Exomphalos macroglossia gigantism syndrome. Identifiers: Orphanet 116, MedGen C0004903, MONDO:0007534, OMIM 130650.

Allele frequency attached by ClinVar (database versions not stated): gnomAD exomes below 0.00001.

Submission:

Labcorp Genetics (formerly Invitae), Labcorp
Classification: Uncertain significance for Beckwith-Wiedemann syndrome. Last evaluated: 2025-07-31. Review status: criteria provided, single submitter. Criteria: Invitae Variant Classification Sherloc (09022015). Collection method: clinical testing. Allele origin: germline.
Comment: This sequence change replaces leucine, which is neutral and non-polar, with phenylalanine, which is neutral and non-polar, at codon 126 of the CDKN1C protein (p.Leu126Phe). This variant is not present in population databases (gnomAD no frequency). This variant has not been reported in the literature in individuals affected with CDKN1C-related conditions. ClinVar contains an entry for this variant (Variation ID: 955966). Invitae Evidence Modeling of protein sequence and biophysical properties (such as structural, functional, and spatial information, amino acid conservation, physicochemical variation, residue mobility, and thermodynamic stability) indicates that this missense variant is not expected to disrupt CDKN1C protein function with a negative predictive value of 80%. In summary, the available evidence is currently insufficient to determine the role of this variant in disease. Therefore, it has been classified as a Variant of Uncertain Significance.